The following is an entry in ClinVar:

NM_022356.4(P3H1):c.2029dup (p.Thr677fs)

Gene: P3H1 (prolyl 3-hydroxylase 1; minus strand). Cytogenetic location: 1p34.2.
Variant type: Duplication.
Coding change: c.2029dup on transcript NM_022356.4 (MANE Select); coding-DNA position 2029, one base duplicated (A; older notation c.2029dupA).
Protein change: p.Thr677fs; shifts the reading frame from threonine 677.
Molecular consequence: frameshift variant.
Genome position (GRCh38, 1-based): chr1:42,747,298, T duplicated on the plus strand (A on the coding strand, the reverse complement: P3H1 is on the minus strand). VCF-style (leftmost placement, unchanged base first): chr1-42747297-G-GT. GRCh37 (hg19) VCF-style: chr1-43212968-G-GT.
Other names: c.2029dup, p.Thr677fs (NM_001146289.2, NM_001243246.2); short protein forms T677fs.
Identifiers: ClinVar variation 2763073 (VCV002763073.3), dbSNP rs2524399538, ClinGen allele CA2645174373.

ClinVar aggregate classification (germline): Pathogenic (1 of 4 stars; one submission).

Conditions:
Osteogenesis imperfecta type 8 (OI8). Identifiers: MedGen C1970458, MONDO:0012581, OMIM 610915.

Allele frequency attached by ClinVar (database versions not stated): gnomAD exomes below 0.00001.

Submission:

Labcorp Genetics (formerly Invitae), Labcorp
Classification: Pathogenic for Osteogenesis imperfecta type 8. Last evaluated: 2023-09-24. Review status: criteria provided, single submitter. Criteria: Invitae Variant Classification Sherloc (09022015). Collection method: clinical testing. Allele origin: germline.
Comment: This sequence change creates a premature translational stop signal (p.Thr677Asnfs*16) in the P3H1 gene. While this is not anticipated to result in nonsense mediated decay, it is expected to disrupt the last 60 amino acid(s) of the P3H1 protein. This variant is not present in population databases (gnomAD no frequency). For these reasons, this variant has been classified as Pathogenic. This variant disrupts a region of the P3H1 protein in which other variant(s) (p.Gln722*) have been determined to be pathogenic (PMID: 27864101). This suggests that this is a clinically significant region of the protein, and that variants that disrupt it are likely to be disease-causing. This variant has not been reported in the literature in individuals affected with P3H1-related conditions.

Literature cited by the submitters: PubMed 27864101.